The following is an entry in ClinVar:

ClinVar aggregate classification (germline): Benign/Likely benign. Review status: criteria provided, multiple submitters, no conflicts (2 of 4 stars). 21 submissions from 20 submitters: Benign (10); Likely benign (4). 7 of the submissions do not count toward it. Last evaluated 2026-02-03.

Conditions:
Familial colorectal cancer type X. Identifiers: Orphanet 440437, MedGen C3896578, MONDO:0018604.
Hereditary cancer-predisposing syndrome. Also called: Neoplastic Syndromes, Hereditary; Hereditary Cancer Syndrome; Tumor predisposition; Hereditary neoplastic syndrome. Identifiers: Orphanet 140162, MedGen C0027672, MeSH D009386, MONDO:0015356.
Familial adenomatous polyposis 2. Also called: MUTYH-associated polyposis; MUTYH Polyposis; FAP type 2; Adenomas, multiple colorectal; COLORECTAL ADENOMATOUS POLYPOSIS, AUTOSOMAL RECESSIVE; ADENOMAS, MULTIPLE COLORECTAL, AUTOSOMAL RECESSIVE. Identifiers: Orphanet 220460, Orphanet 247798, MedGen C3272841, MONDO:0012041, OMIM 608456.
Malignant tumor of breast. Also called: Malignant breast neoplasm; Cancer breast. Identifiers: MedGen C0006142, MONDO:0007254. Disease mechanism: loss of function.

Allele frequency attached by ClinVar (database versions not stated): ESP Exome Variant Server 0.00023; gnomAD 0.00043 and 0.00111; TOPMed 0.00058; gnomAD exomes 0.00125 and 0.00293; ExAC 0.00320; 1000 Genomes Project 30x 0.00375; 1000 Genomes Project 0.00399.
gnomAD v4.1: 2,017 of 1,614,192 alleles (0.12%); highest among the groups gnomAD compares: South Asian, 1.9%; 42 homozygotes.

Submissions (21):

Labcorp Genetics (formerly Invitae), Labcorp
Classification: Benign for Familial adenomatous polyposis 2. Last evaluated: 2026-02-03. Review status: criteria provided, single submitter. Criteria: Invitae Variant Classification Sherloc (09022015). Collection method: clinical testing. Allele origin: germline.

Center for Genomic Medicine, Rigshospitalet, Copenhagen University Hospital
Classification: Likely benign. Last evaluated: 2025-03-04. Review status: criteria provided, single submitter. Criteria: ACMG Guidelines, 2015. Collection method: clinical testing. Allele origin: germline.

Quest Diagnostics Nichols Institute San Juan Capistrano
Classification: Benign. Last evaluated: 2025-02-10. Review status: criteria provided, single submitter. Criteria: Quest Diagnostics criteria. Collection method: clinical testing. Allele origin: unknown.

All of Us Research Program, National Institutes of Health
Classification: Benign for Familial adenomatous polyposis 2. Last evaluated: 2024-02-05. Review status: criteria provided, single submitter. Criteria: ACMG Guidelines, 2015. Collection method: clinical testing. Allele origin: germline. Inheritance: Autosomal recessive inheritance. Observed: 87 variant alleles, 84 heterozygotes, 3 homozygotes.
Comment: This study involves interpretation of variants in research participants for the purpose of population health screening. Participant phenotype was not available at the time of variant classification. Additional details can be found in publication PMID: 35346344, PMCID: PMC8962531

KCCC/NGS Laboratory, Kuwait Cancer Control Center
Classification: Benign for Familial adenomatous polyposis 2. Last evaluated: 2023-07-07. Review status: criteria provided, single submitter. Criteria: ACMG Guidelines, 2015. Collection method: clinical testing. Allele origin: germline. Affected: yes.

Department of Pathology and Laboratory Medicine, Sinai Health System
Classification: Benign for Familial colorectal cancer type X. Last evaluated: 2019-09-09. Review status: criteria provided, single submitter. Criteria: ACMG Guidelines, 2015. Collection method: clinical testing. Allele origin: germline. Affected: yes.

Illumina Laboratory Services, Illumina
Classification: Benign for Familial adenomatous polyposis 2. Last evaluated: 2019-05-21. Review status: criteria provided, single submitter. Criteria: ICSL Variant Classification Criteria 13 December 2019. Collection method: clinical testing. Allele origin: germline.
Comment: This variant was observed as part of a predisposition screen in an ostensibly healthy population. A literature search was performed for the gene, cDNA change, and amino acid change (where applicable). Publications were found based on this search. The evidence from the literature, in combination with allele frequency data from public databases where available, was sufficient to rule this variant out of causing disease. Therefore, this variant is classified as benign.

PreventionGenetics, part of Exact Sciences
Classification: Likely benign. Last evaluated: 2018-01-17. Review status: criteria provided, single submitter. Criteria: ACMG Guidelines, 2015. Collection method: clinical testing. Allele origin: germline.

Women's Health and Genetics/Laboratory Corporation of America, LabCorp
Classification: Benign. Last evaluated: 2016-05-27. Review status: criteria provided, single submitter. Criteria: LabCorp Variant Classification Summary - May 2015. Collection method: clinical testing. Allele origin: germline.
Comment: Variant summary: The MUTYH c.1449C>T (p.Thr483Thr) variant involves the alteration of a non-conserved nucleotide, resulting in a synonymous change. One in silico tool predicts a damaging outcome for this variant. 5/5 splice prediction tools predict no significant impact on normal splicing. However, these predictions have yet to be confirmed by functional studies. This variant was found in 388/121394 control chromosomes (7 homozygotes), predominantly observed in the South Asian subpopulation at a frequency of 0.0199855 (330/16512). This frequency is about 4 times the estimated maximal expected allele frequency of a pathogenic MUTYH variant (0.0055902), suggesting this is a benign polymorphism found primarily in the populations of South Asian origin. For comparison, p.Tyr104Ter is the most common pathogenic South Asian variant and occurs only 14/121398 ExAC chromosomes. The variant was reported in affected individuals in the literature, without any evidence for causality. In addition, multiple clinical diagnostic laboratories/reputable databases classified this variant as benign. Taken together, this variant is classified as benign.

Color Diagnostics, LLC DBA Color Health
Classification: Benign for Hereditary cancer-predisposing syndrome. Last evaluated: 2016-03-24. Review status: criteria provided, single submitter. Criteria: ACMG Guidelines, 2015. Collection method: clinical testing. Allele origin: germline.

Eurofins Ntd Llc (ga)
Classification: Benign. Last evaluated: 2015-04-25. Review status: criteria provided, single submitter. Criteria: EGL Classification Definitions 2015. Collection method: clinical testing. Allele origin: germline. Observed: 1 variant allele, 1 heterozygote.

Ambry Genetics
Classification: Likely benign for Hereditary cancer-predisposing syndrome. Last evaluated: 2014-09-29. Review status: criteria provided, single submitter. Criteria: Ambry Variant Classification Scheme 2023. Collection method: clinical testing. Allele origin: germline.

GeneDx
Classification: Benign. Last evaluated: 2014-07-09. Review status: criteria provided, single submitter. Criteria: GeneDx Variant Classification (06012015). Collection method: clinical testing. Allele origin: germline. Affected: yes.
Comment: This variant is considered likely benign or benign based on one or more of the following criteria: it is a conservative change, it occurs at a poorly conserved position in the protein, it is predicted to be benign by multiple in silico algorithms, and/or has population frequency not consistent with disease.

Breakthrough Genomics
Classification: Likely benign. Review status: criteria provided, single submitter. Criteria: ACMG Guidelines, 2015. Collection method: not provided. Allele origin: germline. Inheritance: Autosomal recessive inheritance. Affected: yes.

Genetic Services Laboratory, University of Chicago
Classification: Benign. Last evaluated: 2022-07-12. Review status: no assertion criteria provided. Collection method: clinical testing. Allele origin: germline. Affected: no. Not counted in ClinVar's aggregate classification.

True Health Diagnostics
Classification: Likely benign for Hereditary cancer-predisposing syndrome. Last evaluated: 2018-02-05. Review status: no assertion criteria provided. Collection method: clinical testing. Allele origin: germline. Not counted in ClinVar's aggregate classification.

Clinical Genetics Laboratory, Department of Pathology, Netherlands Cancer Institute
Classification: Benign. Review status: no assertion criteria provided. Collection method: clinical testing. Allele origin: germline. Affected: yes. Study: VKGL Data-share Consensus. Not counted in ClinVar's aggregate classification.

Clinical Genetics, Academic Medical Center
Classification: Benign. Review status: no assertion criteria provided. Collection method: clinical testing. Allele origin: germline. Affected: yes. Study: VKGL Data-share Consensus. Not counted in ClinVar's aggregate classification.

Department of Pathology and Laboratory Medicine, Sinai Health System
Classification: Benign for Malignant tumor of breast. Review status: no assertion criteria provided. Collection method: clinical testing. Allele origin: unknown. Affected: yes. Study: The Canadian Open Genetics Repository (COGR). Not counted in ClinVar's aggregate classification.
Comment: The MUTYH p.Thr483= variant was identified in 1 of 162 proband chromosomes (frequency: 0.006) from individuals or families with hereditary non-polyposis colorectal cancer (Morak 2011). The variant was identified dbSNP (rs150269172) as â€šÃ„Ãºwith other alleleâ€šÃ„Ã¹ and ClinVar (classified as benign by Invitae, GeneDx, Color and 4 other submitters; and as likely benign by Ambry Genetics, Prevention Genetics and 2 other submitters). The variant was not identified in UMD-LSDB. The variant was identified in control databases in 745 of 277,238 chromosomes (14 homozygous) at a frequency of 0.003 (Genome Aggregation Database Feb 27, 2017). The variant was observed in the following populations: South Asian in 625 of 30,782 chromosomes (freq: 0.02, increasing the likelihood this could be a low frequency benign variant), African in 18 of 24,036 chromosomes (freq: 0.0007), Other in 10 of 6468 chromosomes (freq: 0.002), Latino in 2 of 34,420 chromosomes (freq: 0.00006), European in 5 of 126,722 chromosomes (freq: 0.00004), and East Asian in 85 of 18,868 chromosomes (freq: 0.005), while it was not observed in the Ashkenazi Jewish and Finnish populations. The p.Thr483= variant is not expected to have clinical significance because it does not result in a change of amino acid and is not located in a known consensus splice site. The variant occurs at a non-highly conserved nucleotide outside of the splicing consensus sequence and in silico or computational prediction software programs (SpliceSiteFinder, MaxEntScan, NNSPLICE, GeneSplicer) do not predict a difference in splicing. In summary, based on the above information, this variant meets our laboratory's criteria to be classified as benign.

Genome Diagnostics Laboratory, University Medical Center Utrecht
Classification: Benign. Review status: no assertion criteria provided. Collection method: clinical testing. Allele origin: germline. Affected: yes. Study: VKGL Data-share Consensus. Not counted in ClinVar's aggregate classification.

Mayo Clinic Laboratories, Mayo Clinic
Classification: Likely benign. Review status: no assertion criteria provided. Collection method: clinical testing. Allele origin: unknown. Not counted in ClinVar's aggregate classification.

Literature cited by the submitters: PubMed 16557584 (cited by 3 submitters); PubMed 21195604 (cited by 4 submitters); PubMed 26900293 (cited by Women's Health and Genetics/Laboratory Corporation of America, LabCorp).

NM_001048174.2(MUTYH):c.1365C>T (p.Thr455=)

Gene: MUTYH (mutY DNA glycosylase; minus strand). Cytogenetic location: 1p34.1.
Variant type: single nucleotide variant.
Coding change: c.1365C>T on transcript NM_001048174.2 (MANE Select); coding-DNA position 1365, C replaced by T.
Protein change: p.Thr455=; no amino-acid change (threonine 455 retained).
Molecular consequence: synonymous variant. On other transcripts: non-coding transcript variant (2).
Genome position (GRCh38, 1-based): chr1:45,331,209, G>A on the plus strand (C>T on the coding strand, the complement: MUTYH is on the minus strand). VCF-style: chr1-45331209-G-A. GRCh37 (hg19) VCF-style: chr1-45796881-G-A.
Other names: p.T483T:ACC>ACT; c.1365C>T, p.Thr455= (NM_001048171.2, NM_001048173.2, NM_001293195.2); c.1368C>T, p.Thr456= (NM_001048172.2); c.1449C>T, p.Thr483= (NM_001128425.2); c.1410C>T, p.Thr470= (NM_001293190.2); c.1398C>T, p.Thr466= (NM_001293191.2); c.1089C>T, p.Thr363= (NM_001293192.2, NM_001293196.2); c.1020C>T, p.Thr340= (NM_001350650.2, NM_001350651.2); and 1 more.
Identifiers: ClinVar variation 182701 (VCV000182701.46), dbSNP rs150269172, ClinGen allele CA012848.